The following is an entry in ClinVar:

ClinVar aggregate classification (germline): Uncertain significance. Review status: criteria provided, multiple submitters, no conflicts (2 of 4 stars). 2 submissions from 2 submitters: Uncertain significance (2). Last evaluated 2025-09-02.

Conditions:
Familial adenomatous polyposis 1 (FAP1). Also called: POLYPOSIS, ADENOMATOUS INTESTINAL; FAMILIAL ADENOMATOUS POLYPOSIS 1, ATTENUATED. Identifiers: MedGen C2713442, MONDO:0021056, OMIM 175100. Disease mechanism: loss of function.
Hereditary cancer-predisposing syndrome. Also called: Neoplastic Syndromes, Hereditary; Tumor predisposition; Hereditary neoplastic syndrome; Hereditary Cancer Syndrome. Identifiers: Orphanet 140162, MedGen C0027672, MeSH D009386, MONDO:0015356.

Submissions (2):

Ambry Genetics
Classification: Uncertain significance for Hereditary cancer-predisposing syndrome. Last evaluated: 2025-09-02. Review status: criteria provided, single submitter. Criteria: Ambry Variant Classification Scheme 2023. Collection method: clinical testing. Allele origin: germline.
Comment: The p.T1313S variant (also known as c.3938C>G), located in coding exon 15 of the APC gene, results from a C to G substitution at nucleotide position 3938. The threonine at codon 1313 is replaced by serine, an amino acid with similar properties. This amino acid position is conserved. In addition, in silico predictors for this gene do not accurately predict pathogenicity. Missense alterations in APC are not a common cause of disease (Spier I et al. Genet Med. 2024 Feb;26(2):100992). Based on the available evidence, the clinical significance of this variant remains unclear.

Labcorp Genetics (formerly Invitae), Labcorp
Classification: Uncertain significance for Familial adenomatous polyposis 1. Last evaluated: 2024-12-21. Review status: criteria provided, single submitter. Criteria: Invitae Variant Classification Sherloc (09022015). Collection method: clinical testing. Allele origin: germline.
Comment: This sequence change replaces threonine, which is neutral and polar, with serine, which is neutral and polar, at codon 1313 of the APC protein (p.Thr1313Ser). This variant is not present in population databases (gnomAD no frequency). This variant has not been reported in the literature in individuals affected with APC-related conditions. ClinVar contains an entry for this variant (Variation ID: 2452766). Invitae Evidence Modeling of protein sequence and biophysical properties (such as structural, functional, and spatial information, amino acid conservation, physicochemical variation, residue mobility, and thermodynamic stability) indicates that this missense variant is not expected to disrupt APC protein function with a negative predictive value of 95%. In summary, the available evidence is currently insufficient to determine the role of this variant in disease. Therefore, it has been classified as a Variant of Uncertain Significance.

NM_000038.6(APC):c.3938C>G (p.Thr1313Ser)

Gene: APC (APC regulator of Wnt signaling pathway; plus strand). Cytogenetic location: 5q22.2.
Variant type: single nucleotide variant.
Coding change: c.3938C>G on transcript NM_000038.6 (MANE Select); coding-DNA position 3938, C replaced by G.
Protein change: p.Thr1313Ser; replaces threonine 1313 with serine.
Molecular consequence: missense variant. On other transcripts: non-coding transcript variant (2).
Genome position (GRCh38, 1-based): chr5:112,839,532, C>G. VCF-style: chr5-112839532-C-G. GRCh37 (hg19) VCF-style: chr5-112175229-C-G.
Other names: c.3938C>G, p.Thr1313Ser (NM_001127510.3, NM_001354895.2, NM_001407450.1); c.3884C>G, p.Thr1295Ser (NM_001127511.3); c.3992C>G, p.Thr1331Ser (NM_001354896.2, NM_001407447.1, NM_001407448.1 and 1 more transcripts); c.3968C>G, p.Thr1323Ser (NM_001354897.2); c.3863C>G, p.Thr1288Ser (NM_001354898.2); c.3854C>G, p.Thr1285Ser (NM_001354899.2); c.3815C>G, p.Thr1272Ser (NM_001354900.2); c.3761C>G, p.Thr1254Ser (NM_001354901.2, NM_001407453.1); and 11 more; short protein forms T1030S, T1230S, T1295S, T1323S, T1222S, T1288S, T1306S, T1313S.
Identifiers: ClinVar variation 2452766 (VCV002452766.5), dbSNP rs1032236993, ClinGen allele CA16029974.